The following is an entry in ClinVar:

ClinVar aggregate classification (germline): Likely pathogenic (0 of 4 stars; one submission).

Conditions:
Paroxysmal nocturnal hemoglobinuria 1 (PNH1). Identifiers: Orphanet 447, MedGen C3806670, MONDO:0010438, OMIM 300818.

Submission:

Pangenia Genomics, Pangenia Inc.
Classification: Likely pathogenic for Paroxysmal nocturnal hemoglobinuria 1. Last evaluated: 2021-11-25. Review status: no assertion criteria provided. Collection method: research. Allele origin: somatic. Inheritance: Somatic mutation. Affected: yes.
Comment: This variant change creates a premature translational stop signal (p.Lys66Cysfs*60) in the PIGA gene. It is expected to result in an absent or disrupted protein product. Loss-of-function variants in PIGA are known to be pathogenic (PMID: 24706016, 26545172). This variant is absent from the gnomAD v2.1.1 dataset with good coverage of the locus.

NM_002641.4(PIGA):c.196_206del (p.Lys66fs)

Gene: PIGA (phosphatidylinositol glycan anchor biosynthesis class A; minus strand). Cytogenetic location: Xp22.2.
Variant type: Deletion.
Coding change: c.196_206del on transcript NM_002641.4 (MANE Select); coding-DNA positions 196 to 206, 11 bases deleted (AAGGTTATAAT).
Protein change: p.Lys66fs; shifts the reading frame from lysine 66.
Molecular consequence: frameshift variant. On other transcripts: non-coding transcript variant (1), intron variant (1).
Genome position (GRCh38, 1-based): chrX:15,331,725-15,331,735, ATTATAACCTT deleted on the plus strand (AAGGTTATAAT on the coding strand, the reverse complement: PIGA is on the minus strand); deleting any 11 consecutive bases within chrX:15,331,725-15,331,737 gives the same sequence; the c. name uses the placement nearest the transcript's 3' end. VCF-style (leftmost placement, unchanged base first): chrX-15331724-AATTATAACCTT-A. GRCh37 (hg19) VCF-style: chrX-15349846-AATTATAACCTT-A.
Other names: c.194_204delATAAGGTTATA, p.Lys66Cysfs (NM_002641.3); c.13+3766_13+3776del (NM_020473.3); short protein forms K66fs.
Identifiers: ClinVar variation 2502420 (VCV002502420.1), dbSNP rs2519331896, ClinGen allele CA2580615388.
Genomic context (GRCh38, chrX:15,331,724, plus strand): 5'-GACTTTGAGGCCACTGGTGAGGTAACGGATGCCTTTTCGATTTCCATAAGCATGGGTGAC[AATTATAACCTT>A]ATGCCCTCTTTCAATCAGGCACTGAGAGAGCTGGTAAATGTGGCTTTCCACGCCTCCCAT-3'